The following is an entry in ClinVar:

ClinVar aggregate classification (germline): Uncertain significance. Review status: criteria provided, multiple submitters, no conflicts (2 of 4 stars). 2 submissions from 2 submitters: Uncertain significance (2). Last evaluated 2024-03-19.

Conditions:
Gorlin syndrome. Also called: Basal cell nevus syndrome; Nevoid Basal Cell Carcinoma Syndrome. Identifiers: Orphanet 377, MedGen C0004779, MONDO:0007187.
Hereditary cancer-predisposing syndrome. Also called: Hereditary Cancer Syndrome; Hereditary neoplastic syndrome; Tumor predisposition; Neoplastic Syndromes, Hereditary. Identifiers: Orphanet 140162, MedGen C0027672, MeSH D009386, MONDO:0015356.

Submissions (2):

Ambry Genetics
Classification: Uncertain significance for Hereditary cancer-predisposing syndrome. Last evaluated: 2024-03-19. Review status: criteria provided, single submitter. Criteria: Ambry Variant Classification Scheme 2023. Collection method: clinical testing. Allele origin: germline.
Comment: The p.F560L variant (also known as c.1678T>C), located in coding exon 12 of the PTCH1 gene, results from a T to C substitution at nucleotide position 1678. The phenylalanine at codon 560 is replaced by leucine, an amino acid with highly similar properties. This amino acid position is conserved. In addition, this alteration is predicted to be deleterious by in silico analysis. Based on the available evidence, the clinical significance of this alteration remains unclear.

Labcorp Genetics (formerly Invitae), Labcorp
Classification: Uncertain significance for Gorlin syndrome. Last evaluated: 2022-12-24. Review status: criteria provided, single submitter. Criteria: Invitae Variant Classification Sherloc (09022015). Collection method: clinical testing. Allele origin: germline.
Comment: In summary, the available evidence is currently insufficient to determine the role of this variant in disease. Therefore, it has been classified as a Variant of Uncertain Significance. Advanced modeling of protein sequence and biophysical properties (such as structural, functional, and spatial information, amino acid conservation, physicochemical variation, residue mobility, and thermodynamic stability) performed at Invitae indicates that this missense variant is not expected to disrupt PTCH1 protein function. This variant has not been reported in the literature in individuals affected with PTCH1-related conditions. This variant is not present in population databases (gnomAD no frequency). This sequence change replaces phenylalanine, which is neutral and non-polar, with leucine, which is neutral and non-polar, at codon 560 of the PTCH1 protein (p.Phe560Leu).

NM_000264.5(PTCH1):c.1678T>C (p.Phe560Leu)

Gene: PTCH1 (patched 1; minus strand). Cytogenetic location: 9q22.32.
Variant type: single nucleotide variant.
Coding change: c.1678T>C on transcript NM_000264.5 (MANE Select); coding-DNA position 1678, T replaced by C.
Protein change: p.Phe560Leu; replaces phenylalanine 560 with leucine.
Molecular consequence: missense variant. On other transcripts: non-coding transcript variant (1).
Genome position (GRCh38, 1-based): chr9:95,476,084, A>G on the plus strand (T>C on the coding strand, the complement: PTCH1 is on the minus strand). VCF-style: chr9-95476084-A-G. GRCh37 (hg19) VCF-style: chr9-98238366-A-G.
Other names: c.1480T>C, p.Phe494Leu (NM_001083602.3); c.1675T>C, p.Phe559Leu (NM_001083603.3); c.1225T>C, p.Phe409Leu (NM_001083604.3, NM_001083605.3, NM_001083606.3 and 1 more transcripts); c.1522T>C, p.Phe508Leu (NM_001354918.2); short protein forms F508L, F559L, F409L, F494L, F560L.
Identifiers: ClinVar variation 2778225 (VCV002778225.4), dbSNP rs2118252684, ClinGen allele CA374117974.